The following is an entry in ClinVar:

NM_001378615.1(CC2D2A):c.2003+1G>T

Genes: CC2D2A (coiled-coil and C2 domain containing 2A; plus strand), FBXL5 (F-box and leucine rich repeat protein 5; minus strand). Cytogenetic location: 4p15.32.
Variant type: single nucleotide variant.
Coding change: c.2003+1G>T on transcript NM_001378615.1 (MANE Select); the canonical splice donor site of the intron after coding-DNA position 2003, G replaced by T.
Molecular consequence: splice donor variant.
Genome position (GRCh38, 1-based): chr4:15,538,138, G>T. VCF-style: chr4-15538138-G-T. GRCh37 (hg19) VCF-style: chr4-15539761-G-T.
Other names: c.2003+1G>T (NM_001080522.2); c.1856+1G>T (NM_001378617.1).
Identifiers: ClinVar variation 3384976 (VCV003384976.1).

ClinVar aggregate classification (germline): Likely pathogenic (1 of 4 stars; one submission).

Conditions:
Meckel syndrome, type 6. Identifiers: Orphanet 564, MedGen C2676790, MONDO:0012848, OMIM 612284.

Submission:

Women's Health and Genetics/Laboratory Corporation of America, LabCorp
Classification: Likely pathogenic for Meckel syndrome, type 6. Last evaluated: 2024-10-02. Review status: criteria provided, single submitter. Criteria: LabCorp Variant Classification Summary - May 2015. Collection method: clinical testing. Allele origin: germline.
Comment: Variant summary: CC2D2A c.2003+1G>T is located in a canonical splice-site and is predicted to affect mRNA splicing resulting in a significantly altered protein due to either exon skipping, shortening, or inclusion of intronic material. Variants that disrupt the consensus splice site are a relatively common cause of aberrant splicing and loss of CC2D2A function. Several computational tools predict a significant impact on normal splicing: Four predict the variant abolishes a 5' splicing donor site. However, these predictions have yet to be confirmed by functional studies. The variant was absent in 189360 control chromosomes. To our knowledge, no occurrence of c.2003+1G>T in individuals affected with Meckel Syndrome Type 6 and no experimental evidence demonstrating its impact on protein function have been reported. No submitters have cited clinical-significance assessments for this variant to ClinVar. Based on the evidence outlined above, the variant was classified as likely pathogenic.